The following is an entry in ClinVar:

NM_002016.2(FLG):c.8127C>A (p.Ala2709=)

Genes: CCDST (cervical cancer associated DHX9 suppressive transcript; plus strand), FLG (filaggrin; minus strand). Cytogenetic location: 1q21.3.
Variant type: single nucleotide variant.
Coding change: c.8127C>A on transcript NM_002016.2 (MANE Select); coding-DNA position 8127, C replaced by A.
Protein change: p.Ala2709=; no amino-acid change (alanine 2709 retained).
Molecular consequence: synonymous variant.
Genome position (GRCh38, 1-based): chr1:152,306,759, G>T on the plus strand (C>A on the coding strand, the complement: FLG is on the minus strand). VCF-style: chr1-152306759-G-T. GRCh37 (hg19) VCF-style: chr1-152279235-G-T.
Identifiers: ClinVar variation 2639259 (VCV002639259.24), dbSNP rs1570899577, ClinGen allele CA420928128.
Genomic context (GRCh38, chr1:152,306,759, plus strand): 5'-CCCTGACCGGCCACGTGCGGACTCTTGGTGGCTCTGCTGATGGGACCCAGCCTGTCCGTG[G>T]GCTGACACTGACTGTGTGTCTGAGTCTTCTGAATGTCCCTCATTGTCACTGGCCTGACTA-3'
Protein context (NP_002007.1, residues 2699-2719): SEDSDTQSVS[Ala2709=]HGQAGSHQQS

ClinVar aggregate classification (germline): Likely benign (1 of 4 stars; one submission).

Submission:

CeGaT Center for Human Genetics Tuebingen
Classification: Likely benign. Last evaluated: 2023-09-01. Review status: criteria provided, single submitter. Criteria: CeGaT Center For Human Genetics Tuebingen Variant Classification Criteria Version 2. Collection method: clinical testing. Allele origin: germline. Affected: yes. Observed: 1 variant allele.
Comment: FLG: PM2:Supporting, BP4, BP7